The following is an entry in ClinVar:

NM_004204.5(PIGQ):c.1173T>G (p.Ile391Met)

Gene: PIGQ (phosphatidylinositol glycan anchor biosynthesis class Q; plus strand). Cytogenetic location: 16p13.3.
Variant type: single nucleotide variant.
Coding change: c.1173T>G on transcript NM_004204.5 (MANE Select); coding-DNA position 1173, T replaced by G.
Protein change: p.Ile391Met; replaces isoleucine 391 with methionine.
Molecular consequence: missense variant.
Genome position (GRCh38, 1-based): chr16:578,888, T>G. VCF-style: chr16-578888-T-G. GRCh37 (hg19) VCF-style: chr16-628888-T-G.
Other names: c.1173T>G, p.Ile391Met (NM_148920.4); c.1173T>G (NM_148920.1); short protein forms I391M.
Identifiers: ClinVar variation 1368591 (VCV001368591.7), dbSNP rs772434140, ClinGen allele CA7780137.

ClinVar aggregate classification (germline): Uncertain significance. Review status: criteria provided, multiple submitters, no conflicts (2 of 4 stars). 2 submissions from 2 submitters: Uncertain significance (2). Last evaluated 2022-11-08.

Conditions:
Inborn genetic diseases. Identifiers: MedGen C0950123, MeSH D030342.
Epilepsy. Also called: Seizure disorder. Identifiers: MedGen C0014544, MeSH D004827, MONDO:0005027.

Allele frequency attached by ClinVar (database versions not stated): gnomAD exomes 0.00004 and 0.00013; ExAC 0.00011.

Submissions (2):

Labcorp Genetics (formerly Invitae), Labcorp
Classification: Uncertain significance for Epilepsy. Last evaluated: 2022-11-08. Review status: criteria provided, single submitter. Criteria: Invitae Variant Classification Sherloc (09022015). Collection method: clinical testing. Allele origin: germline.
Comment: In summary, the available evidence is currently insufficient to determine the role of this variant in disease. Therefore, it has been classified as a Variant of Uncertain Significance. Algorithms developed to predict the effect of missense changes on protein structure and function (SIFT, PolyPhen-2, Align-GVGD) all suggest that this variant is likely to be tolerated. ClinVar contains an entry for this variant (Variation ID: 1368591). This variant has not been reported in the literature in individuals affected with PIGQ-related conditions. This variant is present in population databases (rs772434140, gnomAD 0.1%). This sequence change replaces isoleucine, which is neutral and non-polar, with methionine, which is neutral and non-polar, at codon 391 of the PIGQ protein (p.Ile391Met).

Ambry Genetics
Classification: Uncertain significance for Inborn genetic diseases. Last evaluated: 2022-06-10. Review status: criteria provided, single submitter. Criteria: Ambry Variant Classification Scheme 2023. Collection method: clinical testing. Allele origin: germline.